The following is an entry in ClinVar:

NM_002439.5(MSH3):c.316C>G (p.Gln106Glu)

Gene: MSH3 (mutS homolog 3; plus strand). Cytogenetic location: 5q14.1.
Variant type: single nucleotide variant.
Coding change: c.316C>G on transcript NM_002439.5 (MANE Select); coding-DNA position 316, C replaced by G.
Protein change: p.Gln106Glu; replaces glutamine 106 with glutamic acid.
Molecular consequence: missense variant.
Genome position (GRCh38, 1-based): chr5:80,656,489, C>G. VCF-style: chr5-80656489-C-G. GRCh37 (hg19) VCF-style: chr5-79952308-C-G.
Other names: short protein forms Q106E.
Identifiers: ClinVar variation 664483 (VCV000664483.21), dbSNP rs149350323, ClinGen allele CA3327562.

ClinVar aggregate classification (germline): Conflicting classifications of pathogenicity. Review status: criteria provided, conflicting classifications (1 of 4 stars). 10 submissions from 10 submitters: Uncertain significance (9); Likely benign (1). Last evaluated 2026-08-07.

Conditions:
MSH3-related disorder. Also called: MSH3-related condition.
Familial adenomatous polyposis 4 (FAP4). Also called: MSH3-related attenuated familial adenomatous polyposis. Identifiers: Orphanet 480536, MedGen C4310719, MONDO:0044300, OMIM 617100.
Endometrial carcinoma. Also called: Endometrial carcinoma, somatic. Identifiers: MedGen C0476089, MONDO:0002447, OMIM 608089, HP:0012114.
Hereditary cancer-predisposing syndrome. Also called: Tumor predisposition; Hereditary neoplastic syndrome; Hereditary Cancer Syndrome; Neoplastic Syndromes, Hereditary. Identifiers: Orphanet 140162, MedGen C0027672, MeSH D009386, MONDO:0015356.

Allele frequency attached by ClinVar (database versions not stated): ExAC 0.00006; gnomAD exomes 0.00006; gnomAD 0.00010; ESP Exome Variant Server 0.00015; TOPMed 0.00015.

Submissions (10):

PreventionGenetics, part of Exact Sciences
Classification: Uncertain significance for MSH3-related condition. Last evaluated: 2026-08-07. Review status: criteria provided, single submitter. Criteria: ACMG Guidelines, 2015. Collection method: clinical testing. Allele origin: germline.
Comment: The MSH3 c.316C>G variant is predicted to result in the amino acid substitution p.Gln106Glu. This variant has been reported in the literature in an individual with colon cancer (Table S2, DeRycke et al. 2017. PubMed ID: 28944238). This variant is reported in 0.014% of alleles in individuals of European (Non-Finnish) descent in gnomAD. This variant has conflicting interpretations in ClinVar ranging from uncertain to likely benign (Variation ID: 664483). At this time, the clinical significance of this variant is uncertain due to the absence of conclusive functional and genetic evidence.

Labcorp Genetics (formerly Invitae), Labcorp
Classification: Uncertain significance. Last evaluated: 2026-01-26. Review status: criteria provided, single submitter. Criteria: Invitae Variant Classification Sherloc (09022015). Collection method: clinical testing. Allele origin: germline.
Comment: This sequence change replaces glutamine, which is neutral and polar, with glutamic acid, which is acidic and polar, at codon 106 of the MSH3 protein (p.Gln106Glu). This variant is present in population databases (rs149350323, gnomAD 0.01%). This variant has not been reported in the literature in individuals affected with MSH3-related conditions. ClinVar contains an entry for this variant (Variation ID: 664483). An algorithm developed to predict the effect of missense changes on protein structure and function outputs the following: PolyPhen-2: "Benign". The glutamic acid amino acid residue is found in multiple mammalian species, which suggests that this missense change does not adversely affect protein function. In summary, the available evidence is currently insufficient to determine the role of this variant in disease. Therefore, it has been classified as a Variant of Uncertain Significance.

Center for Genomic Medicine, Rigshospitalet, Copenhagen University Hospital
Classification: Uncertain significance. Last evaluated: 2025-03-04. Review status: criteria provided, single submitter. Criteria: ACMG Guidelines, 2015. Collection method: clinical testing. Allele origin: germline.

Quest Diagnostics Nichols Institute San Juan Capistrano
Classification: Uncertain significance. Last evaluated: 2024-07-03. Review status: criteria provided, single submitter. Criteria: Quest Diagnostics criteria. Collection method: clinical testing. Allele origin: unknown.
Comment: The MSH3 c.316C>G (p.Gln106Glu) variant has been identified in the published literature in a reportedly healthy individual (PMID: 29641532 (2018)). This variant has also been identified in a cohort of individuals with colorectal cancer and reportedly healthy individuals (PMID: 28944238 (2017)). The frequency of this variant in the general population, 0.00024 (12/50792 chromosomes (Genome Aggregation Database)), is uninformative in the assessment of its pathogenicity. Analysis of this variant using bioinformatics tools for the prediction of the effect of amino acid changes on protein structure and function yielded predictions that this variant is benign. Based on the available information, we are unable to determine the clinical significance of this variant.

Fulgent Genetics
Classification: Uncertain significance for Endometrial carcinoma; Familial adenomatous polyposis 4. Last evaluated: 2024-06-14. Review status: criteria provided, single submitter. Criteria: ACMG Guidelines, 2015. Collection method: clinical testing. Allele origin: germline.

GeneDx
Classification: Uncertain significance. Last evaluated: 2024-06-12. Review status: criteria provided, single submitter. Criteria: GeneDx Variant Classification Process June 2021. Collection method: clinical testing. Allele origin: germline. Affected: yes.
Comment: Not observed at significant frequency in large population cohorts (gnomAD); In silico analysis indicates that this missense variant does not alter protein structure/function; Variant observed in individuals with colorectal cancer and/or polyps, and absent in controls (PMID: 28944238); This variant is associated with the following publications: (PMID: 28944238)

Department of Pathology and Laboratory Medicine, Sinai Health System
Classification: Uncertain significance for Familial adenomatous polyposis 4. Last evaluated: 2023-11-22. Review status: criteria provided, single submitter. Criteria: ACMG Guidelines, 2015. Collection method: clinical testing. Allele origin: germline. Affected: yes.

St. Jude Molecular Pathology, St. Jude Children's Research Hospital
Classification: Uncertain significance for Familial adenomatous polyposis 4. Last evaluated: 2023-02-09. Review status: criteria provided, single submitter. Criteria: St. Jude Assertion Criteria 2020. Collection method: clinical testing. Allele origin: germline.
Comment: The MSH3 c.316C>G (p.Gln106Glu) missense change has a maximum subpopulation frequency of 0.014% in gnomAD v2.1.1. The in silico tool REVEL predicts a benign effect of this variant on protein function, and to our knowledge functional studies have not been performed. This variant has been reported in individuals with colorectal cancer (PMID: 28944238). In summary, the evidence currently available is insufficient to determine the clinical significance of this variant. It has therefore been classified as of uncertain significance.

Sema4
Classification: Uncertain significance for Hereditary cancer-predisposing syndrome. Last evaluated: 2021-08-10. Review status: criteria provided, single submitter. Criteria: Sema4 Curation Guidelines. Collection method: curation. Allele origin: germline.
Comment: The MSH3 c.316C>G (p.Q106E) variant has been reported in heterozygosity in at least two individuals with colorectal cancer (PMID: 28944238). It was observed in 18/129142 chromosomes of the Non-Finnish European subpopulation, with no homozygotes, in the large and broad cohorts of the Genome Aggregation Database (PMID: 32461654). The variant has been reported in ClinVar (Variation ID 664483). Functional studies have not been performed, and in silico predictions of the variant's effect on protein function are inconclusive. The evidence is insufficient to meet ACMG/AMP criteria for classifying the variant as benign or pathogenic. Thus, the clinical significance of this variant is currently uncertain.

Ambry Genetics
Classification: Likely benign for Hereditary cancer-predisposing syndrome. Last evaluated: 2019-05-24. Review status: criteria provided, single submitter. Criteria: Ambry Variant Classification Scheme 2023. Collection method: clinical testing. Allele origin: germline.

Literature cited by the submitters: PubMed 28944238 (cited by 3 submitters); PubMed 29641532 (cited by Quest Diagnostics Nichols Institute San Juan Capistrano).